The following is an entry in ClinVar:

ClinVar aggregate classification (germline): Uncertain significance. Review status: criteria provided, multiple submitters, no conflicts (2 of 4 stars). 2 submissions from 2 submitters: Uncertain significance (2). Last evaluated 2025-08-16.

Conditions:
Inclusion body myopathy with early-onset Paget disease with or without frontotemporal dementia 2 (IBMPFD2). Also called: MULTISYSTEM PROTEINOPATHY 2. Identifiers: MedGen C3809468, MONDO:0014178, OMIM 615422.

Submissions (2):

Labcorp Genetics (formerly Invitae), Labcorp
Classification: Uncertain significance for Inclusion body myopathy with early-onset Paget disease with or without frontotemporal dementia 2. Last evaluated: 2025-08-16. Review status: criteria provided, single submitter. Criteria: Invitae Variant Classification Sherloc (09022015). Collection method: clinical testing. Allele origin: germline.
Comment: This sequence change replaces tyrosine, which is neutral and polar, with cysteine, which is neutral and slightly polar, at codon 269 of the HNRNPA2B1 protein (p.Tyr269Cys). This variant is not present in population databases (gnomAD no frequency). This variant has not been reported in the literature in individuals affected with HNRNPA2B1-related conditions. ClinVar contains an entry for this variant (Variation ID: 3779735). Invitae Evidence Modeling of protein sequence and biophysical properties (such as structural, functional, and spatial information, amino acid conservation, physicochemical variation, residue mobility, and thermodynamic stability) indicates that this missense variant is not expected to disrupt HNRNPA2B1 protein function with a negative predictive value of 80%. In summary, the available evidence is currently insufficient to determine the role of this variant in disease. Therefore, it has been classified as a Variant of Uncertain Significance.

Department of Pathology and Laboratory Medicine, Sinai Health System
Classification: Uncertain significance for Inclusion body myopathy with early-onset Paget disease with or without frontotemporal dementia 2. Last evaluated: 2021-10-20. Review status: criteria provided, single submitter. Criteria: ACMG Guidelines, 2015. Collection method: research. Allele origin: germline.

NM_002137.4(HNRNPA2B1):c.770A>G (p.Tyr257Cys)

Gene: HNRNPA2B1 (heterogeneous nuclear ribonucleoprotein A2/B1; minus strand). Cytogenetic location: 7p15.2.
Variant type: single nucleotide variant.
Coding change: c.770A>G on transcript NM_002137.4 (MANE Select); coding-DNA position 770, A replaced by G.
Protein change: p.Tyr257Cys; replaces tyrosine 257 with cysteine.
Molecular consequence: missense variant.
Genome position (GRCh38, 1-based): chr7:26,193,646, T>C on the plus strand (A>G on the coding strand, the complement: HNRNPA2B1 is on the minus strand). VCF-style: chr7-26193646-T-C. GRCh37 (hg19) VCF-style: chr7-26233266-T-C.
Other names: c.806A>G, p.Tyr269Cys (NM_031243.4); short protein forms Y257C, Y269C.
Identifiers: ClinVar variation 3779735 (VCV003779735.2).